The following is an entry in ClinVar:

NM_002834.5(PTPN11):c.898C>A (p.Pro300Thr)

Gene: PTPN11 (protein tyrosine phosphatase non-receptor type 11; plus strand). Cytogenetic location: 12q24.13.
Variant type: single nucleotide variant.
Coding change: c.898C>A on transcript NM_002834.5 (MANE Select); coding-DNA position 898, C replaced by A.
Protein change: p.Pro300Thr; replaces proline 300 with threonine.
Molecular consequence: missense variant.
Genome position (GRCh38, 1-based): chr12:112,477,695, C>A. VCF-style: chr12-112477695-C-A. GRCh37 (hg19) VCF-style: chr12-112915499-C-A.
Other names: c.898C>A, p.Pro300Thr (NM_001330437.2, NM_080601.3); c.895C>A, p.Pro299Thr (NM_001374625.1); c.898C>A (NM_002834.4); short protein forms P299T, P300T.
Identifiers: ClinVar variation 1765342 (VCV001765342.9), dbSNP rs888674339, ClinGen allele CA243711930.

ClinVar aggregate classification (germline): Uncertain significance. Review status: criteria provided, multiple submitters, no conflicts (2 of 4 stars). 5 submissions from 5 submitters: Uncertain significance (5). Last evaluated 2026-05-22.

Conditions:
RASopathy. Also called: Noonan spectrum disorder; rasopathies. Identifiers: Orphanet 536391, MedGen C5555857, MONDO:0021060.
PTPN11-related disorder. Also called: PTPN11-Related Disorders.
Cardiovascular phenotype. Identifiers: MedGen CN230736.

Allele frequency attached by ClinVar (database versions not stated): TOPMed 0.00001; gnomAD 0.00002.

Submissions (5):

GeneDx
Classification: Uncertain significance. Last evaluated: 2026-05-22. Review status: criteria provided, single submitter. Criteria: GeneDx Variant Classification Process June 2021. Collection method: clinical testing. Allele origin: germline.
Comment: Identified in an individual with congenital heart disease who was also found to harbor multiple other variants in additional genes (PMID: 40127276); Missense variants in this gene are a common cause of disease and they are underrepresented in the general population; In silico analysis supports that this missense variant has a deleterious effect on protein structure/function; This variant is associated with the following publications: (PMID: 29493581, 40127276)

Labcorp Genetics (formerly Invitae), Labcorp
Classification: Uncertain significance for RASopathy. Last evaluated: 2025-11-22. Review status: criteria provided, single submitter. Criteria: Invitae Variant Classification Sherloc (09022015). Collection method: clinical testing. Allele origin: germline.
Comment: This sequence change replaces proline, which is neutral and non-polar, with threonine, which is neutral and polar, at codon 300 of the PTPN11 protein (p.Pro300Thr). This variant is present in population databases (no rsID available, gnomAD 0.01%). This variant has not been reported in the literature in individuals affected with PTPN11-related conditions. ClinVar contains an entry for this variant (Variation ID: 1765342). Invitae Evidence Modeling of protein sequence and biophysical properties (such as structural, functional, and spatial information, amino acid conservation, physicochemical variation, residue mobility, and thermodynamic stability) has been performed for this missense variant. However, the output from this modeling did not meet the statistical confidence thresholds required to predict the impact of this variant on PTPN11 protein function. In summary, the available evidence is currently insufficient to determine the role of this variant in disease. Therefore, it has been classified as a Variant of Uncertain Significance.

PreventionGenetics, part of Exact Sciences
Classification: Uncertain significance for PTPN11-related condition. Last evaluated: 2025-05-23. Review status: criteria provided, single submitter. Criteria: ACMG Guidelines, 2015. Collection method: clinical testing. Allele origin: germline.
Comment: The PTPN11 c.898C>A variant is predicted to result in the amino acid substitution p.Pro300Thr. To our knowledge, this variant has not been reported in the literature. This variant is reported in 0.011% of alleles in individuals of African descent in gnomAD. At this time, the clinical significance of this variant is uncertain due to the absence of conclusive functional and genetic evidence.

Women's Health and Genetics/Laboratory Corporation of America, LabCorp
Classification: Uncertain significance. Last evaluated: 2024-07-28. Review status: criteria provided, single submitter. Criteria: LabCorp Variant Classification Summary - May 2015. Collection method: clinical testing. Allele origin: germline.

Ambry Genetics
Classification: Uncertain significance for Cardiovascular phenotype. Last evaluated: 2022-09-26. Review status: criteria provided, single submitter. Criteria: Ambry Variant Classification Scheme 2023. Collection method: clinical testing. Allele origin: germline.
Comment: The p.P300T variant (also known as c.898C>A), located in coding exon 8 of the PTPN11 gene, results from a C to A substitution at nucleotide position 898. The proline at codon 300 is replaced by threonine, an amino acid with highly similar properties. This amino acid position is conserved. In addition, the in silico prediction for this alteration is inconclusive. Since supporting evidence is limited at this time, the clinical significance of this alteration remains unclear.